The following is an entry in ClinVar:

ClinVar aggregate classification (germline): Uncertain significance (1 of 4 stars; one submission).

Conditions:
Cardiovascular phenotype. Identifiers: MedGen CN230736.

gnomAD v4.1: 2 of 1,613,662 alleles (0.00012%); highest among the groups gnomAD compares: African/African-American, 0.0027%; no homozygotes.

Submission:

Ambry Genetics
Classification: Uncertain significance for Cardiovascular phenotype. Last evaluated: 2025-09-28. Review status: criteria provided, single submitter. Criteria: Ambry Variant Classification Scheme 2023. Collection method: clinical testing. Allele origin: germline.
Comment: The p.H990Y variant (also known as c.2968C>T), located in coding exon 20 of the TRPM4 gene, results from a C to T substitution at nucleotide position 2968. The histidine at codon 990 is replaced by tyrosine, an amino acid with similar properties. This amino acid position is conserved. In addition, this alteration is predicted to be tolerated by in silico analysis. Based on the available evidence, the clinical significance of this variant remains unclear.

NM_017636.4(TRPM4):c.2968C>T (p.His990Tyr)

Gene: TRPM4 (transient receptor potential cation channel subfamily M member 4; plus strand). Cytogenetic location: 19q13.33.
Variant type: single nucleotide variant.
Coding change: c.2968C>T on transcript NM_017636.4 (MANE Select); coding-DNA position 2968, C replaced by T.
Protein change: p.His990Tyr; replaces histidine 990 with tyrosine.
Molecular consequence: missense variant.
Genome position (GRCh38, 1-based): chr19:49,201,978, C>T. VCF-style: chr19-49201978-C-T. GRCh37 (hg19) VCF-style: chr19-49705235-C-T.
Other names: c.2533C>T, p.His845Tyr (NM_001195227.2); c.2623C>T, p.His875Tyr (NM_001321281.2); c.1360C>T, p.His454Tyr (NM_001321282.2); c.2446C>T, p.His816Tyr (NM_001321283.2); c.1906C>T, p.His636Tyr (NM_001321285.2); short protein forms H454Y, H636Y, H845Y, H875Y, H816Y, H990Y.
Identifiers: ClinVar variation 4191774 (VCV004191774.2).